The following is an entry in ClinVar:

ClinVar aggregate classification (germline): Likely benign. Review status: criteria provided, multiple submitters, no conflicts (2 of 4 stars). 2 submissions from 2 submitters: Likely benign (2). Last evaluated 2025-12-03.

Conditions:
TMEM165-congenital disorder of glycosylation. Also called: Congenital disorder of glycosylation type 2k; TMEM165-CDG; CDG IIk. Identifiers: Orphanet 314667, MedGen C3553571, MONDO:0013870, OMIM 614727.

Allele frequency attached by ClinVar (database versions not stated): gnomAD exomes 0.00003 and 0.00012; gnomAD 0.00004 and 0.00006; ExAC 0.00008; TOPMed 0.00009; 1000 Genomes Project 30x 0.00031; 1000 Genomes Project 0.00040.
gnomAD v4.1: 58 of 1,611,390 alleles (0.0036%); highest among the groups gnomAD compares: East Asian, 0.12%; no homozygotes.

Submissions (2):

Labcorp Genetics (formerly Invitae), Labcorp
Classification: Likely benign for TMEM165-congenital disorder of glycosylation. Last evaluated: 2025-12-03. Review status: criteria provided, single submitter. Criteria: Invitae Variant Classification Sherloc (09022015). Collection method: clinical testing. Allele origin: germline.

GeneDx
Classification: Likely benign. Last evaluated: 2016-03-04. Review status: criteria provided, single submitter. Criteria: GeneDx Variant Classification (06012015). Collection method: clinical testing. Allele origin: germline. Affected: yes.
Comment: This variant is considered likely benign or benign based on one or more of the following criteria: it is a conservative change, it occurs at a poorly conserved position in the protein, it is predicted to be benign by multiple in silico algorithms, and/or has population frequency not consistent with disease.

NM_018475.5(TMEM165):c.899-11C>G

Gene: TMEM165 (transmembrane protein 165; plus strand). Cytogenetic location: 4q12.
Variant type: single nucleotide variant.
Coding change: c.899-11C>G on transcript NM_018475.5 (MANE Select); 11 bases into the intron before coding-DNA position 899, C replaced by G.
Molecular consequence: intron variant.
Genome position (GRCh38, 1-based): chr4:55,425,365, C>G. VCF-style: chr4-55425365-C-G. GRCh37 (hg19) VCF-style: chr4-56291532-C-G.
Identifiers: ClinVar variation 383637 (VCV000383637.3), dbSNP rs117175578, ClinGen allele CA2925623.